The following is an entry in ClinVar:

NM_001110556.2(FLNA):c.7679T>C (p.Val2560Ala)

Genes: FLNA (filamin A; minus strand), LOC107988032 (Xq28 proximal FLNA-EMD recombination region; plus strand). Cytogenetic location: Xq28.
Variant type: single nucleotide variant.
Coding change: c.7679T>C on transcript NM_001110556.2 (MANE Select); coding-DNA position 7679, T replaced by C.
Protein change: p.Val2560Ala; replaces valine 2560 with alanine.
Molecular consequence: missense variant.
Genome position (GRCh38, 1-based): chrX:154,349,439, A>G on the plus strand (T>C on the coding strand, the complement: FLNA is on the minus strand). VCF-style: chrX-154349439-A-G. GRCh37 (hg19) VCF-style: chrX-153577807-A-G.
Other names: c.7655T>C (NM_001456.3); c.7655T>C, p.Val2552Ala (NM_001456.4); short protein forms V2560A, V2552A.
Identifiers: ClinVar variation 2034539 (VCV002034539.11), dbSNP rs1603358390, ClinGen allele CA415179997.
Genomic context (GRCh38, chrX:154,349,439, plus strand): 5'-ACTGTGAAGCTGCTCTTCTGGCCTACGTAGGCCTTGCTCAGCCCCAGGCCCTTGGCCACC[A>G]CCTTGCTGGCGTCAGCAGGCCCAGGACCCGGGGCCCCATGCTGGGGGGCACAGGTGGCCT-3'
Protein context (NP_001104026.1, residues 2550-2570): PGPGPADASK[Val2560Ala]VAKGLGLSKA

ClinVar aggregate classification (germline): Uncertain significance. Review status: criteria provided, multiple submitters, no conflicts (2 of 4 stars). 4 submissions from 4 submitters: Uncertain significance (4). Last evaluated 2024-09-22.

Conditions:
Oto-palato-digital syndrome, type II (OPD2). Also called: OPD II SYNDROME; Otopalatodigital Syndrome, Type II; Otopalatodigital Syndrome Type 2 (FLNA-OPD2); FACIOPALATOOSSEOUS SYNDROME. Identifiers: Orphanet 669, Orphanet 90652, MedGen C1844696, MONDO:0010571, OMIM 304120.
Frontometaphyseal dysplasia (FMD1). Identifiers: Orphanet 1826, MedGen C0265293, MONDO:0015942.
Heterotopia, periventricular, X-linked dominant (PVNH1). Also called: PERIVENTRICULAR NODULAR HETEROTOPIA 1; X-linked periventricular heterotopia; PERIVENTRICULAR NODULAR HETEROTOPIA 4; HETEROTOPIA, PERIVENTRICULAR, 1. Identifiers: Orphanet 2149, Orphanet 82004, MedGen C1848213, MONDO:0010233, OMIM 300049.
Melnick-Needles syndrome (MNS). Also called: MELNICK-NEEDLES OSTEODYSPLASTY; OSTEODYSPLASTY OF MELNICK AND NEEDLES; Melnick-Needles Syndrome (FLNA-MNS). Identifiers: Orphanet 2484, MedGen C0025237, MONDO:0010650, OMIM 309350.
FG syndrome 2 (FGS2). Identifiers: MedGen C1845902, MONDO:0010297, OMIM 300321.

Allele frequency attached by ClinVar (database versions not stated): gnomAD exomes below 0.00001; gnomAD 0.00001.
gnomAD v4.1: 6 of 1,210,980 alleles (0.0005%); highest among the groups gnomAD compares: Middle Eastern, 0.023%; no homozygotes.

Submissions (4):

Labcorp Genetics (formerly Invitae), Labcorp
Classification: Uncertain significance for Oto-palato-digital syndrome, type II; Heterotopia, periventricular, X-linked dominant; Frontometaphyseal dysplasia; Melnick-Needles syndrome. Last evaluated: 2024-09-22. Review status: criteria provided, single submitter. Criteria: Invitae Variant Classification Sherloc (09022015). Collection method: clinical testing. Allele origin: germline.
Comment: This sequence change replaces valine, which is neutral and non-polar, with alanine, which is neutral and non-polar, at codon 2552 of the FLNA protein (p.Val2552Ala). This variant is not present in population databases (gnomAD no frequency). This variant has not been reported in the literature in individuals affected with FLNA-related conditions. ClinVar contains an entry for this variant (Variation ID: 2034539). Invitae Evidence Modeling of protein sequence and biophysical properties (such as structural, functional, and spatial information, amino acid conservation, physicochemical variation, residue mobility, and thermodynamic stability) indicates that this missense variant is not expected to disrupt FLNA protein function with a negative predictive value of 95%. In summary, the available evidence is currently insufficient to determine the role of this variant in disease. Therefore, it has been classified as a Variant of Uncertain Significance.

Blueprint Genetics
Classification: Uncertain significance. Last evaluated: 2024-07-10. Review status: criteria provided, single submitter. Criteria: ACMG Guidelines, 2015. Collection method: clinical testing. Allele origin: germline.

Institute of Human Genetics, University of Goettingen
Classification: Uncertain significance for FG syndrome 2. Last evaluated: 2023-08-18. Review status: criteria provided, single submitter. Criteria: ACMG Guidelines, 2015. Collection method: clinical testing. Allele origin: unknown. Inheritance: Sporadic. Affected: yes.

GeneDx
Classification: Uncertain significance. Last evaluated: 2022-07-27. Review status: criteria provided, single submitter. Criteria: GeneDx Variant Classification Process June 2021. Collection method: clinical testing. Allele origin: germline. Affected: yes.
Comment: Not observed at significant frequency in large population cohorts (gnomAD); In silico analysis supports that this missense variant has a deleterious effect on protein structure/function; Has not been previously published as pathogenic or benign to our knowledge